The following is an entry in ClinVar:

ClinVar aggregate classification (germline): Uncertain significance (1 of 4 stars; one submission).

Conditions:
Epidermolysis bullosa simplex with nail dystrophy (EBS5D). Identifiers: MedGen C4225309, MONDO:0014661, OMIM 616487.
Epidermolysis bullosa simplex, Ogna type (EBS5A). Also called: EPIDERMOLYSIS BULLOSA SIMPLEX 5A, OGNA TYPE; Pidermolysis bullosa simplex 5A, Ogna type. Identifiers: Orphanet 79401, MedGen C0432317, MONDO:0007555, OMIM 131950.
Autosomal recessive limb-girdle muscular dystrophy type 2Q (LGMDR17). Also called: MUSCULAR DYSTROPHY, LIMB-GIRDLE, AUTOSOMAL RECESSIVE 17. Identifiers: Orphanet 254361, MedGen C3150989, MONDO:0013390, OMIM 613723.
Epidermolysis bullosa simplex 5B, with muscular dystrophy (EBS5B). Also called: EPIDERMOLYSIS BULLOSA SIMPLEX AND LIMB-GIRDLE MUSCULAR DYSTROPHY; Epidermolysis bullosa simplex with muscular dystrophy. Identifiers: Orphanet 257, MedGen C2931072, MONDO:0009181, OMIM 226670.
Epidermolysis bullosa simplex 5C, with pyloric atresia (EBS5C). Also called: PLEC1-Related Epidermolysis Bullosa with Pyloric Atresia; PLEC-Related Epidermolysis Bullosa with Pyloric Atresia; Epidermolysis bullosa simplex with pyloric atresia. Identifiers: Orphanet 158684, MedGen C2677349, MONDO:0012807, OMIM 612138.

Submission:

Labcorp Genetics (formerly Invitae), Labcorp
Classification: Uncertain significance for Autosomal recessive limb-girdle muscular dystrophy type 2Q; Epidermolysis bullosa simplex, Ogna type; Epidermolysis bullosa simplex with nail dystrophy; Epidermolysis bullosa simplex 5C, with pyloric atresia; Epidermolysis bullosa simplex 5B, with muscular dystrophy. Last evaluated: 2024-05-23. Review status: criteria provided, single submitter. Criteria: Invitae Variant Classification Sherloc (09022015). Collection method: clinical testing. Allele origin: germline.
Comment: This sequence change replaces arginine, which is basic and polar, with glutamine, which is neutral and polar, at codon 261 of the PLEC protein (p.Arg261Gln). This variant is not present in population databases (gnomAD no frequency). This variant has not been reported in the literature in individuals affected with PLEC-related conditions. Experimental studies and prediction algorithms are not available or were not evaluated, and the functional significance of this variant is currently unknown. In summary, the available evidence is currently insufficient to determine the role of this variant in disease. Therefore, it has been classified as a Variant of Uncertain Significance.

NM_201384.3(PLEC):c.701G>A (p.Arg234Gln)

Gene: PLEC (plectin; minus strand). Cytogenetic location: 8q24.3.
Variant type: single nucleotide variant.
Coding change: c.701G>A on transcript NM_201384.3 (MANE Select); coding-DNA position 701, G replaced by A.
Protein change: p.Arg234Gln; replaces arginine 234 with glutamine.
Molecular consequence: missense variant.
Genome position (GRCh38, 1-based): chr8:143,935,215, C>T on the plus strand (G>A on the coding strand, the complement: PLEC is on the minus strand). VCF-style: chr8-143935215-C-T. GRCh37 (hg19) VCF-style: chr8-145009383-C-T.
Other names: c.782G>A, p.Arg261Gln (NM_000445.5, NM_001410941.1); c.659G>A, p.Arg220Gln (NM_201378.4); c.635G>A, p.Arg212Gln (NM_201379.3); c.1112G>A, p.Arg371Gln (NM_201380.4); c.605G>A, p.Arg202Gln (NM_201381.3); c.701G>A, p.Arg234Gln (NM_201382.4); c.713G>A, p.Arg238Gln (NM_201383.3); short protein forms R202Q, R212Q, R220Q, R234Q, R238Q, R261Q, R371Q.
Identifiers: ClinVar variation 3762649 (VCV003762649.2).
Genomic context (GRCh38, chr8:143,935,215, plus strand): 5'-GGCAGCAGGGGAAGGGACAGGGAGGAAGGCCACGCAGACGTACCCTCAGGGTCCAGGAGC[C>T]GCGTCACTCCCAGGTCCCGCTCCGCCACAGAGAAGGCCTGGTCCAGGTTCTCCAGGTTGG-3'
Protein context (NP_958786.1, residues 224-244): SVAERDLGVT[Arg234Gln]LLDPEDVDVP